The following is an entry in ClinVar:

NM_024120.5(NDUFAF5):c.775C>T (p.Gln259Ter)

Gene: NDUFAF5 (NADH:ubiquinone oxidoreductase complex assembly factor 5; plus strand). Cytogenetic location: 20p12.1.
Variant type: single nucleotide variant.
Coding change: c.775C>T on transcript NM_024120.5 (MANE Select); coding-DNA position 775, C replaced by T.
Protein change: p.Gln259Ter; replaces glutamine 259 with a stop codon.
Molecular consequence: nonsense. On other transcripts: non-coding transcript variant (7).
Genome position (GRCh38, 1-based): chr20:13,808,899, C>T. VCF-style: chr20-13808899-C-T. GRCh37 (hg19) VCF-style: chr20-13789545-C-T.
Other names: c.775C>T (NM_024120.4); c.691C>T, p.Gln231Ter (NM_001039375.3); c.304C>T, p.Gln102Ter (NM_001352403.2); c.214C>T, p.Gln72Ter (NM_001352406.2, NM_001352407.2); short protein forms Q259*, Q102*, Q72*, Q231*.
Identifiers: ClinVar variation 285203 (VCV000285203.13), dbSNP rs755097467, ClinGen allele CA9767866.

ClinVar aggregate classification (germline): Conflicting classifications of pathogenicity. Review status: criteria provided, conflicting classifications (1 of 4 stars). 5 submissions from 5 submitters: Pathogenic (1); Likely pathogenic (3); Uncertain significance (1). Last evaluated 2025-05-30.

Conditions:
Mitochondrial complex I deficiency, nuclear type 16. Also called: Mitochondrial complex 1 deficiency, nuclear type 16. Identifiers: MedGen C4748785, MONDO:0032621, OMIM 618238.
Mitochondrial complex I deficiency. Also called: NADH:Q(1) OXIDOREDUCTASE DEFICIENCY. Identifiers: Orphanet 2609, MedGen C1838979, MeSH C537475, MONDO:0100133.

Allele frequency attached by ClinVar (database versions not stated): TOPMed 0.00001; gnomAD exomes 0.00003 and 0.00005; ExAC 0.00001.
gnomAD v4.1: 66 of 1,596,178 alleles (0.0041%); highest among the groups gnomAD compares: Non-Finnish European, 0.0056%; no homozygotes.

Submissions (5):

GeneDx
Classification: Likely pathogenic. Last evaluated: 2025-05-30. Review status: criteria provided, single submitter. Criteria: GeneDx Variant Classification Process June 2021. Collection method: clinical testing. Allele origin: germline. Affected: yes.
Comment: Nonsense variant predicted to result in protein truncation or nonsense mediated decay in a gene for which loss of function is a known mechanism of disease; Not observed at significant frequency in large population cohorts (gnomAD); Has not been previously published as pathogenic or benign to our knowledge

Natera, Inc.
Classification: Likely pathogenic for Mitochondrial complex I deficiency. Last evaluated: 2025-02-10. Review status: criteria provided, single submitter. Criteria: Natera Variant Classification Schema (03/2026). Collection method: clinical testing. Allele origin: germline.
Comment: The c.775C>T variant in NDUFAF5 is a nonsense variant predicted to introduce a stop codon at amino acid 259. This variant is expected to result in nonsense mediated decay, truncation, or a dysfunctional protein product. This variant is rare in the general population with a frequency below the threshold expected for the associated phenotype(s). Given the available evidence, this variant is classified as Likely Pathogenic.

Baylor Genetics
Classification: Likely pathogenic for Mitochondrial complex I deficiency, nuclear type 16. Last evaluated: 2024-01-12. Review status: criteria provided, single submitter. Criteria: ACMG Guidelines, 2015. Collection method: clinical testing. Allele origin: unknown.

Labcorp Genetics (formerly Invitae), Labcorp
Classification: Pathogenic. Last evaluated: 2023-10-28. Review status: criteria provided, single submitter. Criteria: Invitae Variant Classification Sherloc (09022015). Collection method: clinical testing. Allele origin: germline.
Comment: This sequence change creates a premature translational stop signal (p.Gln259*) in the NDUFAF5 gene. It is expected to result in an absent or disrupted protein product. Loss-of-function variants in NDUFAF5 are known to be pathogenic (PMID: 26275793, 30473481, 32918965). This variant is present in population databases (rs755097467, gnomAD 0.005%). This variant has not been reported in the literature in individuals affected with NDUFAF5-related conditions. ClinVar contains an entry for this variant (Variation ID: 285203). For these reasons, this variant has been classified as Pathogenic.

Eurofins Ntd Llc (ga)
Classification: Uncertain significance. Last evaluated: 2015-12-07. Review status: criteria provided, single submitter. Criteria: EGL Classification Definitions 2015. Collection method: clinical testing. Allele origin: germline. Observed: 1 variant allele, 1 heterozygote.

Literature cited by the submitters: PubMed 26275793 (cited by Labcorp Genetics (formerly Invitae), Labcorp); PubMed 30473481 (cited by Labcorp Genetics (formerly Invitae), Labcorp); PubMed 32918965 (cited by Labcorp Genetics (formerly Invitae), Labcorp).